The following is an entry in ClinVar:

ClinVar aggregate classification (germline): Benign (1 of 4 stars; one submission).

Conditions:
Hyperornithinemia-hyperammonemia-homocitrullinuria syndrome (HHHS). Also called: HHH SYNDROME; Ornithine translocase deficiency. Identifiers: Orphanet 415, MedGen C0268540, MONDO:0009393, OMIM 238970.

Allele frequency attached by ClinVar (database versions not stated): gnomAD 0.08409 and 0.08819; 1000 Genomes Project 0.09365; TOPMed 0.09433; 1000 Genomes Project 30x 0.09760.
gnomAD v4.1: 12,705 of 152,170 alleles (8.3%); highest among the groups gnomAD compares: African/African-American, 25%; 1,319 homozygotes.

Submission:

Illumina Laboratory Services, Illumina
Classification: Benign for Hyperornithinemia-hyperammonemia-homocitrullinuria syndrome. Last evaluated: 2018-01-13. Review status: criteria provided, single submitter. Criteria: ICSL Variant Classification Criteria 13 December 2019. Collection method: clinical testing. Allele origin: germline.
Comment: This variant was observed in the ICSL laboratory as part of a predisposition screen in an ostensibly healthy population. It had not been previously curated by ICSL or reported in the Human Gene Mutation Database (HGMD: prior to June 1st, 2018), and was therefore a candidate for classification through an automated scoring system. Utilizing variant allele frequency, disease prevalence and penetrance estimates, and inheritance mode, an automated score was calculated to assess if this variant is too frequent to cause the disease. Based on the score and internal cut-off values, a variant classified as benign is not then subjected to further curation. The score for this variant resulted in a classification of benign for this disease.

NM_014252.4(SLC25A15):c.*2328G>T

Gene: SLC25A15 (solute carrier family 25 member 15; plus strand). Cytogenetic location: 13q14.11.
Variant type: single nucleotide variant.
Coding change: c.*2328G>T on transcript NM_014252.4 (MANE Select); 2328 bases downstream of the stop codon, G replaced by T.
Molecular consequence: 3 prime UTR variant.
Genome position (GRCh38, 1-based): chr13:40,811,995, G>T. VCF-style: chr13-40811995-G-T. GRCh37 (hg19) VCF-style: chr13-41386131-G-T.
Identifiers: ClinVar variation 312217 (VCV000312217.5), dbSNP rs9577154, ClinGen allele CA10644568.
Genomic context (GRCh38, chr13:40,811,995, plus strand): 5'-AGGGGACATCTGGGGAGGAGATCCCTGTCATGTCTCTTGTGCCATGGAGCTATTATGGCT[G>T]GTCTTCCATTTGCTTTTTCTTTAAGTGAAAACCATTTTTCTACTTTGCTTTTCTCTCCAT-3'